The following is an entry in ClinVar:

NM_002764.4(PRPS1):c.182G>C (p.Gly61Ala)

Gene: PRPS1 (phosphoribosyl pyrophosphate synthetase 1; plus strand). Cytogenetic location: Xq22.3.
Variant type: single nucleotide variant.
Coding change: c.182G>C on transcript NM_002764.4 (MANE Select); coding-DNA position 182, G replaced by C.
Protein change: p.Gly61Ala; replaces glycine 61 with alanine.
Molecular consequence: missense variant. On other transcripts: intron variant (1).
Genome position (GRCh38, 1-based): chrX:107,639,354, G>C. VCF-style: chrX-107639354-G-C. GRCh37 (hg19) VCF-style: chrX-106882584-G-C.
Other names: c.-82-5823G>C (NM_001204402.2); short protein forms G61A.
Identifiers: ClinVar variation 3896964 (VCV003896964.1).

ClinVar aggregate classification (germline): Uncertain significance (1 of 4 stars; one submission).

Submission:

Kariminejad - Najmabadi Pathology & Genetics Center
Classification: Uncertain significance. Last evaluated: 2022-06-25. Review status: criteria provided, single submitter. Criteria: ACMG Guidelines, 2015. Collection method: clinical testing. Allele origin: germline. Inheritance: X-linked inheritance. Affected: yes.
Comment: PM2, PP2, PP3